The following is an entry in ClinVar:

ClinVar aggregate classification (germline): Uncertain significance. Review status: criteria provided, multiple submitters, no conflicts (2 of 4 stars). 2 submissions from 2 submitters: Uncertain significance (2). Last evaluated 2024-08-23.

Conditions:
Hereditary cancer-predisposing syndrome. Also called: Neoplastic Syndromes, Hereditary; Hereditary Cancer Syndrome; Hereditary neoplastic syndrome; Tumor predisposition. Identifiers: Orphanet 140162, MedGen C0027672, MeSH D009386, MONDO:0015356.
Familial adenomatous polyposis 1 (FAP1). Also called: FAMILIAL ADENOMATOUS POLYPOSIS 1, ATTENUATED; POLYPOSIS, ADENOMATOUS INTESTINAL. Identifiers: MedGen C2713442, MONDO:0021056, OMIM 175100. Disease mechanism: loss of function.

Submissions (2):

Ambry Genetics
Classification: Uncertain significance for Hereditary cancer-predisposing syndrome. Last evaluated: 2024-08-23. Review status: criteria provided, single submitter. Criteria: Ambry Variant Classification Scheme 2023. Collection method: clinical testing. Allele origin: germline.
Comment: The p.L822F variant (also known as c.2464C>T), located in coding exon 15 of the APC gene, results from a C to T substitution at nucleotide position 2464. The leucine at codon 822 is replaced by phenylalanine, an amino acid with highly similar properties. This amino acid position is highly conserved in available vertebrate species. In addition, in silico predictors for this gene do not accurately predict pathogenicity. Missense alterations in APC are not a common cause of disease (Spier I et al. Genet Med. 2024 Feb;26(2):100992). Based on the available evidence, the clinical significance of this variant remains unclear.

Labcorp Genetics (formerly Invitae), Labcorp
Classification: Uncertain significance for Familial adenomatous polyposis 1. Last evaluated: 2018-01-22. Review status: criteria provided, single submitter. Criteria: Invitae Variant Classification Sherloc (09022015). Collection method: clinical testing. Allele origin: germline.
Comment: In summary, the available evidence is currently insufficient to determine the role of this variant in disease. Therefore, it has been classified as a Variant of Uncertain Significance. Algorithms developed to predict the effect of missense changes on protein structure and function do not agree on the potential impact of this missense change (SIFT: "Deleterious"; PolyPhen-2: "Probably Damaging"; Align-GVGD: "Class C0"). This variant has not been reported in the literature in individuals with APC-related disease. This variant is not present in population databases (ExAC no frequency). This sequence change replaces leucine with phenylalanine at codon 822 of the APC protein (p.Leu822Phe). The leucine residue is highly conserved and there is a small physicochemical difference between leucine and phenylalanine.

NM_000038.6(APC):c.2464C>T (p.Leu822Phe)

Gene: APC (APC regulator of Wnt signaling pathway; plus strand). Cytogenetic location: 5q22.2.
Variant type: single nucleotide variant.
Coding change: c.2464C>T on transcript NM_000038.6 (MANE Select); coding-DNA position 2464, C replaced by T.
Protein change: p.Leu822Phe; replaces leucine 822 with phenylalanine.
Molecular consequence: missense variant.
Genome position (GRCh38, 1-based): chr5:112,838,058, C>T. VCF-style: chr5-112838058-C-T. GRCh37 (hg19) VCF-style: chr5-112173755-C-T.
Other names: c.2389C>T, p.Leu797Phe (NM_001354898.2); c.2380C>T, p.Leu794Phe (NM_001354899.2); c.2341C>T, p.Leu781Phe (NM_001354900.2); c.2287C>T, p.Leu763Phe (NM_001354901.2); c.2161C>T, p.Leu721Phe (NM_001354903.2); c.2086C>T, p.Leu696Phe (NM_001354904.2); c.2464C>T, p.Leu822Phe (NM_001354895.2, NM_001127510.3); c.2518C>T, p.Leu840Phe (NM_001354896.2); and 6 more; short protein forms L539F, L662F, L696F, L721F, L731F, L763F, L781F, L794F.
Identifiers: ClinVar variation 1060574 (VCV001060574.11), dbSNP rs2149870159, ClinGen allele CA16026744.